The following is an entry in ClinVar:

ClinVar aggregate classification (germline): Uncertain significance (1 of 4 stars; one submission).

Allele frequency attached by ClinVar (database versions not stated): TOPMed below 0.00001; gnomAD 0.00001; gnomAD exomes 0.00001.
gnomAD v4.1: 10 of 1,554,250 alleles (0.00064%); highest among the groups gnomAD compares: Middle Eastern, 0.017%; no homozygotes.

Submission:

Labcorp Genetics (formerly Invitae), Labcorp
Classification: Uncertain significance. Last evaluated: 2022-09-07. Review status: criteria provided, single submitter. Criteria: Invitae Variant Classification Sherloc (09022015). Collection method: clinical testing. Allele origin: germline.
Comment: Algorithms developed to predict the effect of missense changes on protein structure and function (SIFT, PolyPhen-2, Align-GVGD) all suggest that this variant is likely to be disruptive. ClinVar contains an entry for this variant (Variation ID: 1036432). This variant has not been reported in the literature in individuals affected with SZT2-related conditions. This variant is not present in population databases (gnomAD no frequency). This sequence change replaces arginine, which is basic and polar, with cysteine, which is neutral and slightly polar, at codon 3224 of the SZT2 protein (p.Arg3224Cys). In summary, the available evidence is currently insufficient to determine the role of this variant in disease. Therefore, it has been classified as a Variant of Uncertain Significance.

NM_001365999.1(SZT2):c.9841C>T (p.Arg3281Cys)

Genes: SZT2 (SZT2 subunit of KICSTOR complex; plus strand), SZT2-AS1 (SZT2 antisense RNA 1; minus strand). Cytogenetic location: 1p34.2.
Variant type: single nucleotide variant.
Coding change: c.9841C>T on transcript NM_001365999.1 (MANE Select); coding-DNA position 9841, C replaced by T.
Protein change: p.Arg3281Cys; replaces arginine 3281 with cysteine.
Molecular consequence: missense variant. On other transcripts: non-coding transcript variant (1).
Genome position (GRCh38, 1-based): chr1:43,448,356, C>T. VCF-style: chr1-43448356-C-T. GRCh37 (hg19) VCF-style: chr1-43914027-C-T.
Other names: c.9670C>T, p.Arg3224Cys (NM_015284.4); short protein forms R3224C, R3281C.
Identifiers: ClinVar variation 1036432 (VCV001036432.8), dbSNP rs1442388656, ClinGen allele CA340045745.